The following is an entry in ClinVar:

NM_152281.3(GORAB):c.1046C>T (p.Pro349Leu)

Gene: GORAB (golgin, RAB6 interacting; plus strand). Cytogenetic location: 1q24.2.
Variant type: single nucleotide variant.
Coding change: c.1046C>T on transcript NM_152281.3 (MANE Select); coding-DNA position 1046, C replaced by T.
Protein change: p.Pro349Leu; replaces proline 349 with leucine.
Molecular consequence: missense variant. On other transcripts: non-coding transcript variant (1).
Genome position (GRCh38, 1-based): chr1:170,552,398, C>T. VCF-style: chr1-170552398-C-T. GRCh37 (hg19) VCF-style: chr1-170521539-C-T.
Other names: c.581C>T, p.Pro194Leu (NM_001320252.2); short protein forms P194L, P349L.
Identifiers: ClinVar variation 1434367 (VCV001434367.3), dbSNP rs145092592, ClinGen allele CA1239299.

ClinVar aggregate classification (germline): Uncertain significance (1 of 4 stars; one submission).

Allele frequency attached by ClinVar (database versions not stated): gnomAD exomes 0.00002 and 0.00003; ExAC 0.00003; gnomAD 0.00006 and 0.00007; TOPMed 0.00006; ESP Exome Variant Server 0.00008.

Submission:

Labcorp Genetics (formerly Invitae), Labcorp
Classification: Uncertain significance. Last evaluated: 2022-08-16. Review status: criteria provided, single submitter. Criteria: Invitae Variant Classification Sherloc (09022015). Collection method: clinical testing. Allele origin: germline.
Comment: This sequence change replaces proline, which is neutral and non-polar, with leucine, which is neutral and non-polar, at codon 374 of the GORAB protein (p.Pro374Leu). This variant is present in population databases (rs145092592, gnomAD 0.006%). This variant has not been reported in the literature in individuals affected with GORAB-related conditions. ClinVar contains an entry for this variant (Variation ID: 1434367). Algorithms developed to predict the effect of missense changes on protein structure and function are either unavailable or do not agree on the potential impact of this missense change (SIFT: "Deleterious"; PolyPhen-2: "Benign"; Align-GVGD: "Class C0"). In summary, the available evidence is currently insufficient to determine the role of this variant in disease. Therefore, it has been classified as a Variant of Uncertain Significance.